The following is an entry in ClinVar:

NM_003632.3(CNTNAP1):c.2340C>A (p.Gly780=)

Gene: CNTNAP1 (contactin associated protein 1; plus strand). Cytogenetic location: 17q21.2.
Variant type: single nucleotide variant.
Coding change: c.2340C>A on transcript NM_003632.3 (MANE Select); coding-DNA position 2340, C replaced by A.
Protein change: p.Gly780=; no amino-acid change (glycine 780 retained).
Molecular consequence: synonymous variant.
Genome position (GRCh38, 1-based): chr17:42,691,507, C>A. VCF-style: chr17-42691507-C-A. GRCh37 (hg19) VCF-style: chr17-40843525-C-A.
Other names: p.Gly780=.
Identifiers: ClinVar variation 773317 (VCV000773317.48), dbSNP rs141352323, ClinGen allele CA8582017.

ClinVar aggregate classification (germline): Benign/Likely benign. Review status: criteria provided, multiple submitters, no conflicts (2 of 4 stars). 7 submissions from 7 submitters: Benign (2); Likely benign (5). Last evaluated 2026-09-01.

Conditions:
Lethal congenital contracture syndrome 7 (LCCS7). Identifiers: MedGen C4225386, MONDO:0014569, OMIM 616286.
Neuropathy, congenital hypomyelinating, 3. Identifiers: MedGen C4748608, MONDO:0020766, OMIM 618186.

Allele frequency attached by ClinVar (database versions not stated): 1000 Genomes Project 0.00160; 1000 Genomes Project 30x 0.00187; TOPMed 0.00303; ESP Exome Variant Server 0.00392.
gnomAD v4.1: 7,366 of 1,613,900 alleles (0.46%); highest among the groups gnomAD compares: Non-Finnish European, 0.58%; 19 homozygotes.

Submissions (7):

CeGaT Center for Human Genetics Tuebingen
Classification: Likely benign. Last evaluated: 2026-09-01. Review status: criteria provided, single submitter. Criteria: CeGaT Center For Human Genetics Tuebingen Variant Classification Criteria Version 2. Collection method: clinical testing. Allele origin: germline. Affected: yes. Observed: 17 variant alleles.
Comment: CNTNAP1: BP4, BP7, BS2

Labcorp Genetics (formerly Invitae), Labcorp
Classification: Benign. Last evaluated: 2025-12-27. Review status: criteria provided, single submitter. Criteria: Invitae Variant Classification Sherloc (09022015). Collection method: clinical testing. Allele origin: germline.

Blueprint Genetics
Classification: Likely benign. Last evaluated: 2024-11-06. Review status: criteria provided, single submitter. Criteria: ACMG Guidelines, 2015. Collection method: clinical testing. Allele origin: germline.

Fulgent Genetics
Classification: Likely benign for Lethal congenital contracture syndrome 7; Neuropathy, congenital hypomyelinating, 3. Last evaluated: 2022-04-04. Review status: criteria provided, single submitter. Criteria: ACMG Guidelines, 2015. Collection method: clinical testing. Allele origin: unknown.

GeneDx
Classification: Likely benign. Last evaluated: 2021-05-03. Review status: criteria provided, single submitter. Criteria: GeneDx Variant Classification Process June 2021. Collection method: clinical testing. Allele origin: germline. Affected: yes.

Mayo Clinic Laboratories, Mayo Clinic
Classification: Benign. Last evaluated: 2019-08-15. Review status: criteria provided, single submitter. Criteria: ACMG Guidelines, 2015. Collection method: clinical testing. Allele origin: germline. Observed: 19 variant alleles.

Breakthrough Genomics
Classification: Likely benign. Review status: criteria provided, single submitter. Criteria: ACMG Guidelines, 2015. Collection method: not provided. Allele origin: germline. Inheritance: Autosomal recessive inheritance. Affected: yes.